The following is an entry in ClinVar:

NM_001943.5(DSG2):c.3353C>T (p.Ser1118Phe)

Genes: DSG2 (desmoglein 2; plus strand), DSG2-AS1 (DSG2 antisense RNA 1; minus strand). Cytogenetic location: 18q12.1.
Variant type: single nucleotide variant.
Coding change: c.3353C>T on transcript NM_001943.5 (MANE Select); coding-DNA position 3353, C replaced by T.
Protein change: p.Ser1118Phe; replaces serine 1118 with phenylalanine.
Molecular consequence: missense variant.
Genome position (GRCh38, 1-based): chr18:31,546,739, C>T. VCF-style: chr18-31546739-C-T. GRCh37 (hg19) VCF-style: chr18-29126702-C-T.
Other names: c.3353C>T (LRG_397t1); short protein forms S1118F.
Identifiers: ClinVar variation 418169 (VCV000418169.21), dbSNP rs368703304, ClinGen allele CA048401.

ClinVar aggregate classification (germline): Conflicting classifications of pathogenicity. Review status: criteria provided, conflicting classifications (1 of 4 stars). 5 submissions from 5 submitters: Uncertain significance (2); Likely benign (3). Last evaluated 2026-01-14.

Conditions:
Cardiovascular phenotype. Identifiers: MedGen CN230736.
Arrhythmogenic right ventricular cardiomyopathy (ARVD). Also called: Cardiomyopathy, ARVC; Arrhythmogenic right ventricular dysplasia; Arrhythmogenic cardiomyopathy; Arrhythmogenic Right Ventricular Cardiomyopathy (ARVC). Identifiers: Orphanet 247, MedGen C0349788, MeSH D019571, MONDO:0016587. Disease mechanism: loss of function. Inheritance: Various modes of inheritance.
Cardiomyopathy (CMYO). Also called: Cardiomyopathies. Identifiers: Orphanet 167848, MedGen C0878544, MONDO:0004994, HP:0001638. Inheritance: Various modes of inheritance.
Arrhythmogenic right ventricular dysplasia 10. Also called: Arrhythmogenic right ventricular dysplasia/cardiomyopathy, type 10; Arrhythmogenic Right Ventricular Dysplasia/Cardiomyopathy10; ARRHYTHMOGENIC RIGHT VENTRICULAR DYSPLASIA, FAMILIAL, 10. Identifiers: MedGen C1857777, MONDO:0012434, OMIM 610193.

Allele frequency attached by ClinVar (database versions not stated): gnomAD exomes 0.00001 and 0.00003; ExAC 0.00002; ESP Exome Variant Server 0.00008; gnomAD 0.00013 and 0.00014; TOPMed 0.00015.
gnomAD v4.1: 35 of 1,613,886 alleles (0.0022%); highest among the groups gnomAD compares: African/African-American, 0.043%; no homozygotes.

Submissions (5):

Labcorp Genetics (formerly Invitae), Labcorp
Classification: Likely benign for Arrhythmogenic right ventricular dysplasia 10. Last evaluated: 2026-01-14. Review status: criteria provided, single submitter. Criteria: Invitae Variant Classification Sherloc (09022015). Collection method: clinical testing. Allele origin: germline.

GeneDx
Classification: Uncertain significance. Last evaluated: 2025-08-12. Review status: criteria provided, single submitter. Criteria: GeneDx Variant Classification Process June 2021. Collection method: clinical testing. Allele origin: germline. Affected: yes.
Comment: Has not been previously published as pathogenic or benign to our knowledge; In silico analysis suggests that this missense variant does not alter protein structure/function

Color Diagnostics, LLC DBA Color Health
Classification: Likely benign for Cardiomyopathy. Last evaluated: 2024-06-20. Review status: criteria provided, single submitter. Criteria: ACMG Guidelines, 2015. Collection method: clinical testing. Allele origin: germline.

All of Us Research Program, National Institutes of Health
Classification: Uncertain significance for Arrhythmogenic right ventricular cardiomyopathy. Last evaluated: 2023-10-02. Review status: criteria provided, single submitter. Criteria: ACMG Guidelines, 2015. Collection method: clinical testing. Allele origin: germline. Inheritance: Autosomal dominant inheritance. Observed: 8 variant alleles, 8 heterozygotes.
Comment: This missense variant replaces serine with phenylalanine at codon 1118 of the DSG2 protein. Computational prediction tools and conservation analyses are inconclusive regarding the impact of this variant on the protein function. Computational splicing tools suggest that this variant may not impact RNA splicing. To our knowledge, functional assays have not been performed for this variant nor has this variant been reported in individuals affected with cardiovascular disorders in the literature. This variant has been identified in 15/280430 chromosomes (14/24144 African chromosomes) in the general population by the Genome Aggregation Database (gnomAD). Available evidence is insufficient to determine the role of this variant in disease conclusively. Therefore, this variant is classified as a Variant of Uncertain Significance.

This study involves interpretation of variants in research participants for the purpose of population health screening. Participant phenotype was not available at the time of variant classification. Additional details can be found in publication PMID: 35346344, PMCID: PMC8962531

Ambry Genetics
Classification: Likely benign for Cardiovascular phenotype. Last evaluated: 2021-07-12. Review status: criteria provided, single submitter. Criteria: Ambry Variant Classification Scheme 2023. Collection method: clinical testing. Allele origin: germline.